The following is an entry in ClinVar:

NM_002444.3(MSN):c.212G>A (p.Arg71Gln)

Gene: MSN (moesin; plus strand). Cytogenetic location: Xq12.
Variant type: single nucleotide variant.
Coding change: c.212G>A on transcript NM_002444.3 (MANE Select); coding-DNA position 212, G replaced by A.
Protein change: p.Arg71Gln; replaces arginine 71 with glutamine.
Molecular consequence: missense variant.
Genome position (GRCh38, 1-based): chrX:65,729,457, G>A. VCF-style: chrX-65729457-G-A. GRCh37 (hg19) VCF-style: chrX-64949319-G-A.
Other names: short protein forms R71Q.
Identifiers: ClinVar variation 3700149 (VCV003700149.2).
Genomic context (GRCh38, chrX:65,729,457, plus strand): 5'-AAACCTATTTTTTGAGAGTCCATAACCCTTACTCTTCCCAGGTGACTGCCCAGGATGTGC[G>A]GAAGGAAAGCCCCCTGCTCTTTAAGTTCCGTGCCAAGTTCTACCCTGAGGATGTGTCCGA-3'
Protein context (NP_002435.1, residues 61-81): LNKKVTAQDV[Arg71Gln]KESPLLFKFR

ClinVar aggregate classification (germline): Uncertain significance (1 of 4 stars; one submission).

gnomAD v4.1: 5 of 1,208,555 alleles (0.00041%); highest among the groups gnomAD compares: African/African-American, 0.0035%; no homozygotes.

Submission:

Labcorp Genetics (formerly Invitae), Labcorp
Classification: Uncertain significance. Last evaluated: 2024-09-03. Review status: criteria provided, single submitter. Criteria: Invitae Variant Classification Sherloc (09022015). Collection method: clinical testing. Allele origin: germline.
Comment: This sequence change replaces arginine, which is basic and polar, with glutamine, which is neutral and polar, at codon 71 of the MSN protein (p.Arg71Gln). This variant is present in population databases (rs754601355, gnomAD 0.002%), including at least one homozygous and/or hemizygous individual. This variant has not been reported in the literature in individuals affected with MSN-related conditions. An algorithm developed to predict the effect of missense changes on protein structure and function (PolyPhen-2) suggests that this variant is likely to be tolerated. In summary, the available evidence is currently insufficient to determine the role of this variant in disease. Therefore, it has been classified as a Variant of Uncertain Significance.